The following is an entry in ClinVar:

NM_001267550.2(TTN):c.56675C>T (p.Thr18892Ile)

Genes: TTN (titin; minus strand), TTN-AS1 (TTN antisense RNA 1; plus strand). Cytogenetic location: 2q31.2.
Variant type: single nucleotide variant.
Coding change: c.56675C>T on transcript NM_001267550.2 (MANE Select); coding-DNA position 56675, C replaced by T.
Protein change: p.Thr18892Ile; replaces threonine 18892 with isoleucine.
Molecular consequence: missense variant.
Genome position (GRCh38, 1-based): chr2:178,599,035, G>A on the plus strand (C>T on the coding strand, the complement: TTN is on the minus strand). VCF-style: chr2-178599035-G-A. GRCh37 (hg19) VCF-style: chr2-179463762-G-A.
Other names: c.51752C>T, p.Thr17251Ile (NM_001256850.1); c.29480C>T, p.Thr9827Ile (NM_003319.4); c.48971C>T, p.Thr16324Ile (NM_133378.4); c.29855C>T, p.Thr9952Ile (NM_133432.3); c.30056C>T, p.Thr10019Ile (NM_133437.4); short protein forms T10019I, T16324I, T17251I, T18892I, T9827I, T9952I.
Identifiers: ClinVar variation 3390783 (VCV003390783.1).

ClinVar aggregate classification (germline): Uncertain significance (1 of 4 stars; one submission).

gnomAD v4.1: 1 of 1,581,494 alleles (0.000063%); highest among the groups gnomAD compares: Non-Finnish European, 0.000086%; no homozygotes.

Submission:

GeneDx
Classification: Uncertain significance. Last evaluated: 2024-06-10. Review status: criteria provided, single submitter. Criteria: GeneDx Variant Classification Process June 2021. Collection method: clinical testing. Allele origin: germline. Affected: yes.
Comment: Not observed at significant frequency in large population cohorts (gnomAD); Missense variant in a gene in which most reported pathogenic variants are truncating/loss of function; Has not been previously published as pathogenic or benign to our knowledge